The following is an entry in ClinVar:

ClinVar aggregate classification (germline): Uncertain significance. Review status: criteria provided, multiple submitters, no conflicts (2 of 4 stars). 3 submissions from 3 submitters: Uncertain significance (3). Last evaluated 2024-03-01.

Conditions:
Glycogen storage disease, type V (GSD5). Also called: PYGM DEFICIENCY; McArdle type glycogen storage disease; MCARDLE DISEASE; MUSCLE GLYCOGEN PHOSPHORYLASE DEFICIENCY; MYOPHOSPHORYLASE DEFICIENCY. Identifiers: Orphanet 368, MedGen C0017924, MONDO:0009293, OMIM 232600.

Allele frequency attached by ClinVar (database versions not stated): gnomAD exomes below 0.00001.
gnomAD v4.1: 4 of 1,608,810 alleles (0.00025%); highest among the groups gnomAD compares: African/African-American, 0.004%; no homozygotes.

Submissions (3):

Labcorp Genetics (formerly Invitae), Labcorp
Classification: Uncertain significance for Glycogen storage disease, type V. Last evaluated: 2024-03-01. Review status: criteria provided, single submitter. Criteria: Invitae Variant Classification Sherloc (09022015). Collection method: clinical testing. Allele origin: germline.
Comment: This sequence change replaces aspartic acid, which is acidic and polar, with asparagine, which is neutral and polar, at codon 422 of the PYGM protein (p.Asp422Asn). This variant is not present in population databases (gnomAD no frequency). This variant has not been reported in the literature in individuals affected with PYGM-related conditions. ClinVar contains an entry for this variant (Variation ID: 1806370). Advanced modeling of protein sequence and biophysical properties (such as structural, functional, and spatial information, amino acid conservation, physicochemical variation, residue mobility, and thermodynamic stability) performed at Invitae indicates that this missense variant is not expected to disrupt PYGM protein function with a negative predictive value of 80%. In summary, the available evidence is currently insufficient to determine the role of this variant in disease. Therefore, it has been classified as a Variant of Uncertain Significance.

Blueprint Genetics
Classification: Uncertain significance. Last evaluated: 2023-12-14. Review status: criteria provided, single submitter. Criteria: ACMG Guidelines, 2015. Collection method: clinical testing. Allele origin: germline.

Victorian Clinical Genetics Services, Murdoch Childrens Research Institute
Classification: Uncertain significance for Glycogen storage disease, type V. Last evaluated: 2021-05-06. Review status: criteria provided, single submitter. Criteria: ACMG Guidelines, 2015. Collection method: clinical testing. Allele origin: germline. Inheritance: Autosomal recessive inheritance. Affected: yes.
Comment: Based on the classification scheme VCGS_Germline_v1.3.4, this variant is classified as VUS-3A. Following criteria are met: 0102 - Loss of function is a known mechanism of disease in this gene and is associated with McArdle disease (MIM#232600). (I) 0106 - This gene is associated with autosomal recessive disease. Autosomal dominant disease has been reported in a single large family with a missense variant (p.Asp639His) (PMID: 32386344). (I) 0115 - Variants in this gene are known to have variable expressivity, where some patients are only mildly affected (GeneReviews). (I) 0200 - Variant is predicted to result in a missense amino acid change from aspartic acid to asparagine. (I) 0251 - This variant is heterozygous. (I) 0301 - Variant is absent from gnomAD (both v2 and v3). (SP) 0309 - An alternative amino acid change at the same position has been observed in gnomAD (v2) (4 heterozygotes, 0 homozygotes). (I) 0502 - Missense variant with conflicting in silico predictions and uninformative conservation. (I) 0600 - Variant is located in the annotated GT35 glycogen phosphorylase domain (NCBI). (I) 0705 - No comparable missense variants have previous evidence for pathogenicity. (I) 0807 - This variant has no previous evidence of pathogenicity. (I) 0905 - No published segregation evidence has been identified for this variant. (I) 1007 - No published functional evidence has been identified for this variant. (I) 1102 - Strong phenotype match for this individual. (SP) 1208 - Inheritance information for this variant is not currently available in this individual. (I) Legend: (SP) - Supporting pathogenic, (I) - Information, (SB) - Supporting benign

Literature cited by the submitters: PubMed 32386344 (cited by Victorian Clinical Genetics Services, Murdoch Childrens Research Institute).

NM_005609.4(PYGM):c.1264G>A (p.Asp422Asn)

Gene: PYGM (glycogen phosphorylase, muscle associated; minus strand). Cytogenetic location: 11q13.1.
Variant type: single nucleotide variant.
Coding change: c.1264G>A on transcript NM_005609.4 (MANE Select); coding-DNA position 1264, G replaced by A.
Protein change: p.Asp422Asn; replaces aspartic acid 422 with asparagine.
Molecular consequence: missense variant.
Genome position (GRCh38, 1-based): chr11:64,753,658, C>T on the plus strand (G>A on the coding strand, the complement: PYGM is on the minus strand). VCF-style: chr11-64753658-C-T. GRCh37 (hg19) VCF-style: chr11-64521130-C-T.
Other names: c.1000G>A, p.Asp334Asn (NM_001164716.1); short protein forms D334N, D422N.
Identifiers: ClinVar variation 1806370 (VCV001806370.5), dbSNP rs562393971, ClinGen allele CA223900425.